The following is an entry in ClinVar:

NM_015178.3(RHOBTB2):c.192+4A>C

Gene: RHOBTB2 (Rho related BTB domain containing 2; plus strand). Cytogenetic location: 8p21.3.
Variant type: single nucleotide variant.
Coding change: c.192+4A>C on transcript NM_015178.3 (MANE Select); 4 bases into the intron after coding-DNA position 192, A replaced by C.
Molecular consequence: intron variant.
Genome position (GRCh38, 1-based): chr8:23,004,630, A>C. VCF-style: chr8-23004630-A-C. GRCh37 (hg19) VCF-style: chr8-22862143-A-C.
Other names: c.258+4A>C (NM_001160036.2, NM_001160036.1); c.213+4A>C (NM_001160037.2); c.192+4A>C (NM_001374791.1).
Identifiers: ClinVar variation 1472395 (VCV001472395.7), dbSNP rs770684591, ClinGen allele CA4672385.

ClinVar aggregate classification (germline): Conflicting classifications of pathogenicity. Review status: criteria provided, conflicting classifications (1 of 4 stars). 2 submissions from 2 submitters: Uncertain significance (1); Likely benign (1). Last evaluated 2026-06-10.

Conditions:
Inborn genetic diseases. Identifiers: MedGen C0950123, MeSH D030342.

Allele frequency attached by ClinVar (database versions not stated): gnomAD 0.00001 and 0.00002; ExAC 0.00002; gnomAD exomes 0.00004 and 0.00003; TOPMed 0.00002.
gnomAD v4.1: 58 of 1,610,594 alleles (0.0036%); highest among the groups gnomAD compares: Middle Eastern, 0.049%; no homozygotes.

Submissions (2):

Ambry Genetics
Classification: Likely benign for Inborn genetic diseases. Last evaluated: 2026-06-10. Review status: criteria provided, single submitter. Criteria: Ambry Variant Classification Scheme 2023. Collection method: clinical testing. Allele origin: germline.

Labcorp Genetics (formerly Invitae), Labcorp
Classification: Uncertain significance. Last evaluated: 2025-02-19. Review status: criteria provided, single submitter. Criteria: Invitae Variant Classification Sherloc (09022015). Collection method: clinical testing. Allele origin: germline.
Comment: This sequence change falls in intron 4 of the RHOBTB2 gene. It does not directly change the encoded amino acid sequence of the RHOBTB2 protein. It affects a nucleotide within the consensus splice site. This variant is present in population databases (rs770684591, gnomAD 0.007%). This variant has not been reported in the literature in individuals affected with RHOBTB2-related conditions. ClinVar contains an entry for this variant (Variation ID: 1472395). Variants that disrupt the consensus splice site are a relatively common cause of aberrant splicing (PMID: 17576681, 9536098). Algorithms developed to predict the effect of sequence changes on RNA splicing suggest that this variant is not likely to affect RNA splicing. In summary, the available evidence is currently insufficient to determine the role of this variant in disease. Therefore, it has been classified as a Variant of Uncertain Significance.

Literature cited by the submitters: PubMed 17576681 (cited by Labcorp Genetics (formerly Invitae), Labcorp); PubMed 9536098 (cited by Labcorp Genetics (formerly Invitae), Labcorp).